The following is an entry in ClinVar:

ClinVar aggregate classification (germline): Uncertain significance (1 of 4 stars; one submission).

Submission:

Labcorp Genetics (formerly Invitae), Labcorp
Classification: Uncertain significance. Last evaluated: 2025-04-20. Review status: criteria provided, single submitter. Criteria: Invitae Variant Classification Sherloc (09022015). Collection method: clinical testing. Allele origin: germline.
Comment: This sequence change replaces arginine, which is basic and polar, with threonine, which is neutral and polar, at codon 201 of the LEMD3 protein (p.Arg201Thr). This variant is not present in population databases (gnomAD no frequency). This variant has not been reported in the literature in individuals affected with LEMD3-related conditions. ClinVar contains an entry for this variant (Variation ID: 2908821). Invitae Evidence Modeling of protein sequence and biophysical properties (such as structural, functional, and spatial information, amino acid conservation, physicochemical variation, residue mobility, and thermodynamic stability) indicates that this missense variant is not expected to disrupt LEMD3 protein function with a negative predictive value of 80%. In summary, the available evidence is currently insufficient to determine the role of this variant in disease. Therefore, it has been classified as a Variant of Uncertain Significance.

NM_014319.5(LEMD3):c.602G>C (p.Arg201Thr)

Gene: LEMD3 (LEM domain containing 3; plus strand). Cytogenetic location: 12q14.3.
Variant type: single nucleotide variant.
Coding change: c.602G>C on transcript NM_014319.5 (MANE Select); coding-DNA position 602, G replaced by C.
Protein change: p.Arg201Thr; replaces arginine 201 with threonine.
Molecular consequence: missense variant.
Genome position (GRCh38, 1-based): chr12:65,170,198, G>C. VCF-style: chr12-65170198-G-C. GRCh37 (hg19) VCF-style: chr12-65563978-G-C.
Other names: c.602G>C, p.Arg201Thr (NM_001167614.2); short protein forms R201T.
Identifiers: ClinVar variation 2908821 (VCV002908821.3), dbSNP rs944108444, ClinGen allele CA385673567.